The following is an entry in ClinVar:

NM_020547.3(AMHR2):c.1295G>A (p.Ser432Asn)

Gene: AMHR2 (anti-Mullerian hormone receptor type 2; plus strand). Cytogenetic location: 12q13.13.
Variant type: single nucleotide variant.
Coding change: c.1295G>A on transcript NM_020547.3 (MANE Select); coding-DNA position 1295, G replaced by A.
Protein change: p.Ser432Asn; replaces serine 432 with asparagine.
Molecular consequence: missense variant. On other transcripts: intron variant (1).
Genome position (GRCh38, 1-based): chr12:53,430,152, G>A. VCF-style: chr12-53430152-G-A. GRCh37 (hg19) VCF-style: chr12-53823936-G-A.
Other names: c.1291G>A, p.Val431Ile (NM_001164690.2); c.1140+527G>A (NM_001164691.2); short protein forms S432N, V431I.
Identifiers: ClinVar variation 1946615 (VCV001946615.6), dbSNP rs773854832, ClinGen allele CA6600589.

ClinVar aggregate classification (germline): Uncertain significance. Review status: criteria provided, multiple submitters, no conflicts (2 of 4 stars). 2 submissions from 2 submitters: Uncertain significance (2). Last evaluated 2023-01-27.

Conditions:
Inborn genetic diseases. Identifiers: MedGen C0950123, MeSH D030342.

Allele frequency attached by ClinVar (database versions not stated): gnomAD exomes below 0.00001; ExAC 0.00001.
gnomAD v4.1: 2 of 1,614,176 alleles (0.00012%); highest among the groups gnomAD compares: Non-Finnish European, 0.000085%; no homozygotes.

Submissions (2):

Labcorp Genetics (formerly Invitae), Labcorp
Classification: Uncertain significance. Last evaluated: 2023-01-27. Review status: criteria provided, single submitter. Criteria: Invitae Variant Classification Sherloc (09022015). Collection method: clinical testing. Allele origin: germline.
Comment: This variant is present in population databases (rs773854832, gnomAD 0.0009%). This sequence change replaces serine, which is neutral and polar, with asparagine, which is neutral and polar, at codon 432 of the AMHR2 protein (p.Ser432Asn). This variant has not been reported in the literature in individuals affected with AMHR2-related conditions. In summary, the available evidence is currently insufficient to determine the role of this variant in disease. Therefore, it has been classified as a Variant of Uncertain Significance. Advanced modeling of protein sequence and biophysical properties (such as structural, functional, and spatial information, amino acid conservation, physicochemical variation, residue mobility, and thermodynamic stability) performed at Invitae indicates that this missense variant is not expected to disrupt AMHR2 protein function.

Ambry Genetics
Classification: Uncertain significance for Inborn genetic diseases. Last evaluated: 2022-01-05. Review status: criteria provided, single submitter. Criteria: Ambry Variant Classification Scheme 2023. Collection method: clinical testing. Allele origin: germline.